The following is an entry in ClinVar:

ClinVar aggregate classification (germline): Uncertain significance (1 of 4 stars; one submission).

Submission:

Labcorp Genetics (formerly Invitae), Labcorp
Classification: Uncertain significance. Last evaluated: 2025-10-27. Review status: criteria provided, single submitter. Criteria: Invitae Variant Classification Sherloc (09022015). Collection method: clinical testing. Allele origin: germline.
Comment: This sequence change replaces threonine, which is neutral and polar, with serine, which is neutral and polar, at codon 1372 of the PIK3C2A protein (p.Thr1372Ser). This variant is not present in population databases (gnomAD no frequency). This variant has not been reported in the literature in individuals affected with PIK3C2A-related conditions. An algorithm developed to predict the effect of missense changes on protein structure and function (PolyPhen-2) suggests that this variant is likely to be tolerated. Algorithms developed to predict the effect of sequence changes on RNA splicing suggest that this variant may create or strengthen a splice site. In summary, the available evidence is currently insufficient to determine the role of this variant in disease. Therefore, it has been classified as a Variant of Uncertain Significance.

NM_002645.4(PIK3C2A):c.4115C>G (p.Thr1372Ser)

Gene: PIK3C2A (phosphatidylinositol-4-phosphate 3-kinase catalytic subunit type 2 alpha; minus strand). Cytogenetic location: 11p15.1.
Variant type: single nucleotide variant.
Coding change: c.4115C>G on transcript NM_002645.4 (MANE Select); coding-DNA position 4115, C replaced by G.
Protein change: p.Thr1372Ser; replaces threonine 1372 with serine.
Molecular consequence: missense variant.
Genome position (GRCh38, 1-based): chr11:17,099,863, G>C on the plus strand (C>G on the coding strand, the complement: PIK3C2A is on the minus strand). VCF-style: chr11-17099863-G-C. GRCh37 (hg19) VCF-style: chr11-17121410-G-C.
Other names: c.4115C>G, p.Thr1372Ser (NM_001321378.2); c.2975C>G, p.Thr992Ser (NM_001321380.2); c.3947C>G, p.Thr1316Ser (NM_001386870.1); short protein forms T1372S, T1316S, T992S.
Identifiers: ClinVar variation 4701584 (VCV004701584.1).